The following is an entry in ClinVar:

ClinVar aggregate classification (germline): Pathogenic/Likely pathogenic. Review status: criteria provided, multiple submitters, no conflicts (2 of 4 stars). 2 submissions from 2 submitters: Pathogenic (1); Likely pathogenic (1). Last evaluated 2025-05-05.

Conditions:
Oculocutaneous albinism. Identifiers: Orphanet 55, MedGen C0078918, MONDO:0018910.

Allele frequency attached by ClinVar (database versions not stated): gnomAD 0.00001; gnomAD exomes 0.00001 and 0.00003; TOPMed 0.00001.
gnomAD v4.1: 40 of 1,605,400 alleles (0.0025%); highest among the groups gnomAD compares: Non-Finnish European, 0.0033%; no homozygotes.

Submissions (3):

Labcorp Genetics (formerly Invitae), Labcorp
Classification: Pathogenic. Last evaluated: 2025-05-05. Review status: criteria provided, single submitter. Criteria: Invitae Variant Classification Sherloc (09022015). Collection method: clinical testing. Allele origin: germline.
Comment: This sequence change affects a donor splice site in intron 7 of the SLC24A5 gene. It is expected to disrupt RNA splicing. Variants that disrupt the donor or acceptor splice site typically lead to a loss of protein function (PMID: 16199547), and loss-of-function variants in SLC24A5 are known to be pathogenic (PMID: 23985994, 26686029). This variant is present in population databases (no rsID available, gnomAD 0.002%). Disruption of this splice site has been observed in individual(s) with autosomal recessive oculocutaneous albinism (OCA) (internal data). In at least one individual the data is consistent with being in trans (on the opposite chromosome) from a pathogenic variant. ClinVar contains an entry for this variant (Variation ID: 667388). Algorithms developed to predict the effect of sequence changes on RNA splicing suggest that this variant may disrupt the consensus splice site. For these reasons, this variant has been classified as Pathogenic.

Laboratory for Molecular Medicine, Mass General Brigham Personalized Medicine
Classification: Likely pathogenic for Oculocutaneous albinism. Last evaluated: 2017-10-19. Review status: criteria provided, single submitter. Criteria: LMM Criteria. Collection method: clinical testing. Allele origin: germline. Inheritance: Autosomal recessive inheritance. Observed: 1 variant allele.
Comment: The c.1078+1G>A (NM_205850.2) variant in SLC24A5 has not been previously reporte d in the literature, but has been identified in 0.002% (2/110178) of European ch romosomes by the Genome Aggregation Database (gnomAD). Although this variant has been seen in the general population, its freq uency is low enough to be consistent with a recessive carrier frequency. This va riant occurs in the invariant region (+/- 1,2) of the splice consensus sequence and is predicted to cause altered splicing leading to an abnormal or absent prot ein. Biallelic loss of function of the SLC24A5 gene has been associated with ocu locutaneous albinism. In summary, although additional studies are required to fu lly establish its clinical significance, the c.1078+1G>A variant is likely patho genic for oculocutaneous albinism in an autosomal recessive manner based on a pr edicted null effect. ACMG/AMP Criteria applied: PVS1; PM2 (Richards 2015).

Dr. Peter K. Rogan Lab, Western University
No classification provided (evidence only). Condition: Uveal melanoma. Review status: no classification provided. Collection method: in vitro. Allele origin: not applicable. Functional consequence: skipped exon, retained intron. Not counted in ClinVar's aggregate classification.

Literature cited by the submitters: PubMed 16199547 (cited by Labcorp Genetics (formerly Invitae), Labcorp); PubMed 23985994 (cited by Labcorp Genetics (formerly Invitae), Labcorp); PubMed 26686029 (cited by Labcorp Genetics (formerly Invitae), Labcorp).

NM_205850.3(SLC24A5):c.1078+1G>A

Genes: MYEF2 (myelin expression factor 2; minus strand), SLC24A5 (solute carrier family 24 member 5; plus strand). Cytogenetic location: 15q21.1.
Variant type: single nucleotide variant.
Coding change: c.1078+1G>A on transcript NM_205850.3 (MANE Select); the canonical splice donor site of the intron after coding-DNA position 1078, G replaced by A.
Molecular consequence: splice donor variant. On other transcripts: 3 prime UTR variant (2).
Genome position (GRCh38, 1-based): chr15:48,139,176, G>A. VCF-style: chr15-48139176-G-A. GRCh37 (hg19) VCF-style: chr15-48431373-G-A.
Other names: c.*3732C>T (NM_001301210.2, NM_016132.5).
Identifiers: ClinVar variation 667388 (VCV000667388.11), dbSNP rs1450652793, ClinGen allele CA392453282.